The following is an entry in ClinVar:

NM_001347721.2(DYRK1A):c.263_264del (p.Ser88fs)

Gene: DYRK1A (dual specificity tyrosine phosphorylation regulated kinase 1A; plus strand). Cytogenetic location: 21q22.13.
Variant type: Deletion.
Coding change: c.263_264del on transcript NM_001347721.2 (MANE Select); coding-DNA positions 263 to 264, 2 bases deleted (CT; older notation c.263_264delCT).
Protein change: p.Ser88fs; shifts the reading frame from serine 88.
Molecular consequence: frameshift variant.
Genome position (GRCh38, 1-based): chr21:37,478,263-37,478,264, CT deleted; deleting any 2 consecutive bases within chr21:37,478,262-37,478,264 gives the same sequence; the c. name uses the placement nearest the transcript's 3' end. VCF-style (leftmost placement, unchanged base first): chr21-37478261-TTC-T. GRCh37 (hg19) VCF-style: chr21-38850563-TTC-T.
Other names: c.290_291del (NM_001396.3); c.263_264del, p.Ser88fs (NM_001347722.2, NM_130436.2); c.176_177del, p.Ser59fs (NM_001347723.2); c.290_291del, p.Ser97fs (NM_001396.5, NM_101395.2, NM_130438.2); c.263_264delCT (NM_001347721.1); short protein forms S59fs, S88fs, S97fs.
Identifiers: ClinVar variation 418949 (VCV000418949.17), dbSNP rs1064793546, ClinGen allele CA16620995.

ClinVar aggregate classification (germline): Pathogenic. Review status: criteria provided, multiple submitters, no conflicts (2 of 4 stars). 6 submissions from 6 submitters: Pathogenic (4). 2 of the submissions do not count toward it. Last evaluated 2024-01-08.

Conditions:
DYRK1A-related intellectual disability syndrome (MRD7). Also called: Intellectual developmental disorder, autosomal dominant 7; DYRK1A Syndrome. Identifiers: Orphanet 464306, MedGen C5568143, MONDO:0013578, OMIM 614104.
DYRK1A-related disorder.
Intellectual disability. Also called: Intellectual functioning disability; intellectual disabilities; Intellectual developmental disorder. Identifiers: MedGen C3714756, MeSH D008607, MONDO:0001071, HP:0001249.

Submissions (6):

GeneDx
Classification: Pathogenic. Last evaluated: 2024-01-08. Review status: criteria provided, single submitter. Criteria: GeneDx Variant Classification Process June 2021. Collection method: clinical testing. Allele origin: germline. Affected: yes.
Comment: Frameshift variant predicted to result in protein truncation or nonsense mediated decay in a gene for which loss-of-function is a known mechanism of disease; Not observed at significant frequency in large population cohorts (gnomAD); This variant is associated with the following publications: (PMID: 34345024, 23099646)

Victorian Clinical Genetics Services, Murdoch Childrens Research Institute
Classification: Pathogenic for DYRK1A-related intellectual disability syndrome. Last evaluated: 2023-12-21. Review status: criteria provided, single submitter. Criteria: ACMG Guidelines, 2015. Collection method: clinical testing. Allele origin: germline. Inheritance: Autosomal dominant inheritance. Affected: yes.
Comment: Based on the classification scheme VCGS_Germline_v1.3.4, this variant is classified as Pathogenic. Following criteria are met: 0102 - Loss of function is a known mechanism of disease in this gene and is associated with intellectual developmental disorder, autosomal dominant 7 (MIM#614104). (I) 0107 - This gene is associated with autosomal dominant disease. (I) 0201 - Variant is predicted to cause nonsense-mediated decay (NMD) and loss of protein (premature termination codon is located at least 54 nucleotides upstream of the final exon-exon junction). (SP) 0251 - This variant is heterozygous. (I) 0301 - Variant is absent from gnomAD (both v2 and v3). (SP) 0701 - Other NMD predicted variants comparable to the one identified in this case have very strong previous evidence for pathogenicity (DECIPHER). (SP) 0801 - This variant has strong previous evidence of pathogenicity in unrelated individuals. This variant has been classified as pathogenic by several clinical laboratories in ClinVar and has been observed in one individual with syndromic intellectual disability and seizures (PMID: 23099646). (SP) 0905 - No published segregation evidence has been identified for this variant. (I) 1007 - No published functional evidence has been identified for this variant. (SP) Legend: (SP) - Supporting pathogenic, (I) - Information, (SB) - Supporting benign

Blueprint Genetics
Classification: Pathogenic for DYRK1A-related disorders. Last evaluated: 2023-07-11. Review status: criteria provided, single submitter. Criteria: ACMG Guidelines, 2015. Collection method: clinical testing. Allele origin: de novo. Affected: yes. Observed: 1 variant allele.

Labcorp Genetics (formerly Invitae), Labcorp
Classification: Pathogenic for DYRK1A-related intellectual disability syndrome. Last evaluated: 2022-07-06. Review status: criteria provided, single submitter. Criteria: Invitae Variant Classification Sherloc (09022015). Collection method: clinical testing. Allele origin: germline.
Comment: This premature translational stop signal has been observed in individual(s) with clinical features of DYRK1A-related conditions (PMID: 23099646). For these reasons, this variant has been classified as Pathogenic. ClinVar contains an entry for this variant (Variation ID: 418949). This variant is also known as p.Ser97Cysfs*98. This variant is not present in population databases (gnomAD no frequency). This sequence change creates a premature translational stop signal (p.Ser97Cysfs*2) in the DYRK1A gene. It is expected to result in an absent or disrupted protein product. Loss-of-function variants in DYRK1A are known to be pathogenic (PMID: 25944381).

Diagnostic Laboratory, Strasbourg University Hospital
Classification: Pathogenic for intellectual disability. Last evaluated: 2021-06-02. Review status: no assertion criteria provided. Collection method: clinical testing. Allele origin: de novo. Inheritance: Sporadic. Affected: yes. Observed: 1 variant allele, 1 heterozygote. Not counted in ClinVar's aggregate classification.

OMIM
Classification: Pathogenic for INTELLECTUAL DEVELOPMENTAL DISORDER, AUTOSOMAL DOMINANT 7. Last evaluated: 2012-12-01. Review status: no assertion criteria provided. Collection method: literature only. Allele origin: germline. Not counted in ClinVar's aggregate classification.

Literature cited by the submitters: PubMed 23099646 (cited by 3 submitters); PubMed 25944381 (cited by Labcorp Genetics (formerly Invitae), Labcorp).